The following is an entry in ClinVar:

ClinVar aggregate classification (germline): Benign (1 of 4 stars; one submission).

Conditions:
D-2-hydroxyglutaric aciduria 1 (D2HGA1). Identifiers: Orphanet 79315, MedGen C3152055, MONDO:0024554, OMIM 600721.

Allele frequency attached by ClinVar (database versions not stated): gnomAD 0.00209 and 0.00273; TOPMed 0.00294; gnomAD exomes 0.00620; 1000 Genomes Project 30x 0.01077; 1000 Genomes Project 0.01158.

Submission:

Illumina Laboratory Services, Illumina
Classification: Benign for D-2-hydroxyglutaric aciduria 1. Last evaluated: 2018-01-13. Review status: criteria provided, single submitter. Criteria: ICSL Variant Classification Criteria 13 December 2019. Collection method: clinical testing. Allele origin: germline.
Comment: This variant was observed in the ICSL laboratory as part of a predisposition screen in an ostensibly healthy population. It had not been previously curated by ICSL or reported in the Human Gene Mutation Database (HGMD: prior to June 1st, 2018), and was therefore a candidate for classification through an automated scoring system. Utilizing variant allele frequency, disease prevalence and penetrance estimates, and inheritance mode, an automated score was calculated to assess if this variant is too frequent to cause the disease. Based on the score and internal cut-off values, a variant classified as benign is not then subjected to further curation. The score for this variant resulted in a classification of benign for this disease.

NM_152783.5(D2HGDH):c.*266G>A

Gene: D2HGDH (D-2-hydroxyglutarate dehydrogenase; plus strand). Cytogenetic location: 2q37.3.
Variant type: single nucleotide variant.
Coding change: c.*266G>A on transcript NM_152783.5 (MANE Select); 266 bases downstream of the stop codon, G replaced by A.
Molecular consequence: 3 prime UTR variant. On other transcripts: non-coding transcript variant (1).
Genome position (GRCh38, 1-based): chr2:241,768,235, G>A. VCF-style: chr2-241768235-G-A. GRCh37 (hg19) VCF-style: chr2-242707650-G-A.
Other names: c.*266G>A (NM_001287249.2, NM_001352824.2).
Identifiers: ClinVar variation 335333 (VCV000335333.5), dbSNP rs145823152, ClinGen allele CA10613347.